The following is an entry in ClinVar:

NM_005477.3(HCN4):c.3327A>G (p.Ser1109=)

Gene: HCN4 (hyperpolarization activated cyclic nucleotide gated potassium channel 4; minus strand). Cytogenetic location: 15q24.1.
Variant type: single nucleotide variant.
Coding change: c.3327A>G on transcript NM_005477.3 (MANE Select); coding-DNA position 3327, A replaced by G.
Protein change: p.Ser1109=; no amino-acid change (serine 1109 retained).
Molecular consequence: synonymous variant.
Genome position (GRCh38, 1-based): chr15:73,322,766, T>C on the plus strand (A>G on the coding strand, the complement: HCN4 is on the minus strand). VCF-style: chr15-73322766-T-C. GRCh37 (hg19) VCF-style: chr15-73615107-T-C.
Identifiers: ClinVar variation 384049 (VCV000384049.5), dbSNP rs1057521832, ClinGen allele CA16607863.

ClinVar aggregate classification (germline): Likely benign. Review status: criteria provided, multiple submitters, no conflicts (2 of 4 stars). 2 submissions from 2 submitters: Likely benign (2). Last evaluated 2022-02-18.

Conditions:
Brugada syndrome 8 (BRGDA8). Identifiers: Orphanet 130, MedGen C2751083, MONDO:0013148, OMIM 613123.

Submissions (2):

Labcorp Genetics (formerly Invitae), Labcorp
Classification: Likely benign for Brugada syndrome 8. Last evaluated: 2022-02-18. Review status: criteria provided, single submitter. Criteria: Invitae Variant Classification Sherloc (09022015). Collection method: clinical testing. Allele origin: germline.

GeneDx
Classification: Likely benign. Last evaluated: 2016-02-22. Review status: criteria provided, single submitter. Criteria: GeneDx Variant Classification (06012015). Collection method: clinical testing. Allele origin: germline. Affected: yes.
Comment: This variant is considered likely benign or benign based on one or more of the following criteria: it is a conservative change, it occurs at a poorly conserved position in the protein, it is predicted to be benign by multiple in silico algorithms, and/or has population frequency not consistent with disease.